The following is an entry in ClinVar:

ClinVar aggregate classification (germline): Likely benign. Review status: criteria provided, multiple submitters, no conflicts (2 of 4 stars). 3 submissions from 3 submitters: Likely benign (3). Last evaluated 2026-08-01.

Allele frequency attached by ClinVar (database versions not stated): gnomAD 0.00541 and 0.00532; TOPMed 0.00541; ESP Exome Variant Server 0.00554; gnomAD exomes 0.00803 and 0.00533; 1000 Genomes Project 0.00280; 1000 Genomes Project 30x 0.00281; ExAC 0.00525.
gnomAD v4.1: 12,552 of 1,613,346 alleles (0.78%); highest among the groups gnomAD compares: Middle Eastern, 1.7%; 70 homozygotes.

Submissions (3):

CeGaT Center for Human Genetics Tuebingen
Classification: Likely benign. Last evaluated: 2026-08-01. Review status: criteria provided, single submitter. Criteria: CeGaT Center For Human Genetics Tuebingen Variant Classification Criteria Version 2. Collection method: clinical testing. Allele origin: germline. Affected: yes. Observed: 1 variant allele.
Comment: COL14A1: BP4, BS2

Labcorp Genetics (formerly Invitae), Labcorp
Classification: Likely benign. Last evaluated: 2019-12-31. Review status: criteria provided, single submitter. Criteria: Invitae Variant Classification Sherloc (09022015). Collection method: clinical testing. Allele origin: germline.

Breakthrough Genomics
Classification: Likely benign. Review status: criteria provided, single submitter. Criteria: ACMG Guidelines, 2015. Collection method: not provided. Allele origin: germline. Inheritance: Unknown mechanism. Affected: yes.

NM_021110.4(COL14A1):c.2764G>A (p.Val922Ile)

Gene: COL14A1 (collagen type XIV alpha 1 chain; plus strand). Cytogenetic location: 8q24.12.
Variant type: single nucleotide variant.
Coding change: c.2764G>A on transcript NM_021110.4 (MANE Select); coding-DNA position 2764, G replaced by A.
Protein change: p.Val922Ile; replaces valine 922 with isoleucine.
Molecular consequence: missense variant.
Genome position (GRCh38, 1-based): chr8:120,255,251, G>A. VCF-style: chr8-120255251-G-A. GRCh37 (hg19) VCF-style: chr8-121267490-G-A.
Other names: short protein forms V922I.
Identifiers: ClinVar variation 775268 (VCV000775268.6), dbSNP rs11774228, ClinGen allele CA4859303.